The following is an entry in ClinVar:

ClinVar aggregate classification (germline): Uncertain significance (1 of 4 stars; one submission).

Allele frequency attached by ClinVar (database versions not stated): ExAC 0.00001; gnomAD 0.00001; gnomAD exomes 0.00001 and 0.00002; TOPMed 0.00002.
gnomAD v4.1: 34 of 1,612,764 alleles (0.0021%); highest among the groups gnomAD compares: Non-Finnish European, 0.0028%; no homozygotes.

Submission:

Labcorp Genetics (formerly Invitae), Labcorp
Classification: Uncertain significance. Last evaluated: 2021-10-25. Review status: criteria provided, single submitter. Criteria: Invitae Variant Classification Sherloc (09022015). Collection method: clinical testing. Allele origin: germline.
Comment: This variant is present in population databases (rs752251497, ExAC 0.002%). In summary, the available evidence is currently insufficient to determine the role of this variant in disease. Therefore, it has been classified as a Variant of Uncertain Significance. Algorithms developed to predict the effect of sequence changes on RNA splicing suggest that this variant may create or strengthen a splice site. Algorithms developed to predict the effect of missense changes on protein structure and function are either unavailable or do not agree on the potential impact of this missense change (SIFT: "Deleterious"; PolyPhen-2: "Benign"; Align-GVGD: "Class C0"). This variant has not been reported in the literature in individuals affected with EDNRB-related conditions. This sequence change replaces glycine with valine at codon 211 of the EDNRB protein (p.Gly211Val). The glycine residue is moderately conserved and there is a moderate physicochemical difference between glycine and valine.

NM_001122659.3(EDNRB):c.632G>T (p.Gly211Val)

Genes: EDNRB (endothelin receptor type B; minus strand), EDNRB-AS1 (EDNRB antisense RNA 1; plus strand). Cytogenetic location: 13q22.3.
Variant type: single nucleotide variant.
Coding change: c.632G>T on transcript NM_001122659.3 (MANE Select); coding-DNA position 632, G replaced by T.
Protein change: p.Gly211Val; replaces glycine 211 with valine.
Molecular consequence: missense variant.
Genome position (GRCh38, 1-based): chr13:77,903,325, C>A on the plus strand (G>T on the coding strand, the complement: EDNRB is on the minus strand). VCF-style: chr13-77903325-C-A. GRCh37 (hg19) VCF-style: chr13-78477460-C-A.
Other names: c.632G>T, p.Gly211Val (NM_000115.5, NM_003991.4); c.902G>T, p.Gly301Val (NM_001201397.2); short protein forms G301V, G211V.
Identifiers: ClinVar variation 1380782 (VCV001380782.6), dbSNP rs752251497, ClinGen allele CA7012291.